The following is an entry in ClinVar:

NM_017882.3(CLN6):c.682G>A (p.Gly228Ser)

Gene: CLN6 (CLN6 transmembrane ER protein; minus strand). Cytogenetic location: 15q23.
Variant type: single nucleotide variant.
Coding change: c.682G>A on transcript NM_017882.3 (MANE Select); coding-DNA position 682, G replaced by A.
Protein change: p.Gly228Ser; replaces glycine 228 with serine.
Molecular consequence: missense variant.
Genome position (GRCh38, 1-based): chr15:68,208,394, C>T on the plus strand (G>A on the coding strand, the complement: CLN6 is on the minus strand). VCF-style: chr15-68208394-C-T. GRCh37 (hg19) VCF-style: chr15-68500732-C-T.
Other names: c.682G>A (NM_017882.2); short protein forms G228S.
Identifiers: ClinVar variation 376954 (VCV000376954.4), dbSNP rs1057520095, ClinGen allele CA16603218.

ClinVar aggregate classification (germline): Uncertain significance. Review status: criteria provided, multiple submitters, no conflicts (2 of 4 stars). 2 submissions from 2 submitters: Uncertain significance (2). Last evaluated 2024-03-07.

Submissions (2):

GeneDx
Classification: Uncertain significance. Last evaluated: 2024-03-07. Review status: criteria provided, single submitter. Criteria: GeneDx Variant Classification Process June 2021. Collection method: clinical testing. Allele origin: germline. Affected: yes.
Comment: Not observed at significant frequency in large population cohorts (gnomAD); In silico analysis supports that this missense variant has a deleterious effect on protein structure/function; Has not been previously published as pathogenic or benign to our knowledge

Center for Pediatric Genomic Medicine, Children's Mercy Hospital and Clinics
Classification: Uncertain significance. Last evaluated: 2017-02-09. Review status: criteria provided, single submitter. Criteria: ACMG Guidelines, 2015. Collection method: clinical testing. Allele origin: germline.
ClinVar note: Converted during submission from Uncertain Significance to Uncertain significance.